The following is an entry in ClinVar:

ClinVar aggregate classification (germline): Likely benign. Review status: criteria provided, single submitter (1 of 4 stars). 2 submissions from 2 submitters: Likely benign (1). 1 of the submissions does not count toward it. Last evaluated 2024-01-29.

Conditions:
ERCC6-related disorder. Also called: ERCC6-related condition; ERCC6-related disorders. Identifiers: MedGen CN239385.

Submissions (2):

Labcorp Genetics (formerly Invitae), Labcorp
Classification: Likely benign. Last evaluated: 2024-01-29. Review status: criteria provided, single submitter. Criteria: Invitae Variant Classification Sherloc (09022015). Collection method: clinical testing. Allele origin: germline.

PreventionGenetics, part of Exact Sciences
Classification: Likely benign for ERCC6-related condition. Last evaluated: 2022-09-08. Review status: no assertion criteria provided. Collection method: clinical testing. Allele origin: germline. Not counted in ClinVar's aggregate classification.
Comment: This variant is classified as likely benign based on ACMG/AMP sequence variant interpretation guidelines (Richards et al. 2015 PMID: 25741868, with internal and published modifications).

NM_000124.4(ERCC6):c.660G>C (p.Gly220=)

Gene: ERCC6 (ERCC excision repair 6, chromatin remodeling factor; minus strand). Cytogenetic location: 10q11.23.
Variant type: single nucleotide variant.
Coding change: c.660G>C on transcript NM_000124.4 (MANE Select); coding-DNA position 660, G replaced by C.
Protein change: p.Gly220=; no amino-acid change (glycine 220 retained).
Molecular consequence: synonymous variant.
Genome position (GRCh38, 1-based): chr10:49,524,770, C>G on the plus strand (G>C on the coding strand, the complement: ERCC6 is on the minus strand). VCF-style: chr10-49524770-C-G. GRCh37 (hg19) VCF-style: chr10-50732816-C-G.
Other names: c.660G>C (NM_000124.3); c.660G>C, p.Gly220= (NM_001277058.2, NM_001277059.2, NM_001346440.2).
Identifiers: ClinVar variation 2039072 (VCV002039072.6), dbSNP rs1297704330, ClinGen allele CA469790673.